The following is an entry in ClinVar:

ClinVar aggregate classification (germline): Conflicting classifications of pathogenicity. Review status: criteria provided, conflicting classifications (1 of 4 stars). 5 submissions from 5 submitters: Pathogenic (1); Likely pathogenic (3); Uncertain significance (1). Last evaluated 2025-05-02.

Conditions:
Rod-cone dystrophy. Identifiers: MedGen C4551714, HP:0000510.
PNPLA6-related disorder. Also called: PNPLA6-related disorders; PNPLA6-related condition.
Hereditary spastic paraplegia 39 (SPG39). Also called: SPASTIC PARAPLEGIA 39, AUTOSOMAL RECESSIVE; Spastic Paraplegia Type 39 (SPG39). Identifiers: Orphanet 139480, MedGen C2677586, MONDO:0012787, OMIM 612020.
Laurence-Moon syndrome (LNMS). Also called: PNPLA6-Related Laurence-Moon Syndrome (LMS). Identifiers: Orphanet 2377, MedGen C0023138, MONDO:0009514, OMIM 245800.
Cerebellar ataxia-hypogonadism syndrome. Also called: LHRH DEFICIENCY AND ATAXIA; Gordon Holmes syndrome; CEREBELLAR ATAXIA AND HYPOGONADOTROPIC HYPOGONADISM; Luteinizing hormone releasing hormone, deficiency of with ataxia; Cerebellar ataxia hypogonadotropic hypogonadism. Identifiers: Orphanet 1173, MedGen C1859305, MONDO:0008935, OMIM 212840.
Trichomegaly-retina pigmentary degeneration-dwarfism syndrome (OMCS). Also called: Eyelashes long mental retardation; Trichomegaly retina pigmentary degeneration dwarfism; OLIVER-MCFARLANE SYNDROME; Oliver-McFarlane Syndrome (OMCS). Identifiers: Orphanet 3363, MedGen C1848745, MONDO:0010152, OMIM 275400.
Ataxia-hypogonadism-choroidal dystrophy syndrome (BNHS). Also called: Chorioretinal dystrophy, spinocerebellar ataxia and hypogonadotropic hypogonadism; Boucher-Neuhäuser Syndrome (BNS). Identifiers: Orphanet 1180, MedGen C1859093, MONDO:0008980, OMIM 215470.

Allele frequency attached by ClinVar (database versions not stated): gnomAD 0.00001; gnomAD exomes 0.00001; TOPMed 0.00001.

Submissions (5):

Labcorp Genetics (formerly Invitae), Labcorp
Classification: Pathogenic for Hereditary spastic paraplegia 39. Last evaluated: 2025-05-02. Review status: criteria provided, single submitter. Criteria: Invitae Variant Classification Sherloc (09022015). Collection method: clinical testing. Allele origin: germline.
Comment: This sequence change replaces arginine, which is basic and polar, with glutamine, which is neutral and polar, at codon 1135 of the PNPLA6 protein (p.Arg1135Gln). This variant is present in population databases (no rsID available, gnomAD 0.007%). This missense change has been observed in individual(s) with 34906470 and/or hereditary spastic paraplegia (PMID: 31135245, 31712030; internal data, retinal degeneration). In at least one individual the data is consistent with being in trans (on the opposite chromosome) from a pathogenic variant. This variant is also known as p.Arg1183Gln. ClinVar contains an entry for this variant (Variation ID: 372471). Invitae Evidence Modeling of protein sequence and biophysical properties (such as structural, functional, and spatial information, amino acid conservation, physicochemical variation, residue mobility, and thermodynamic stability) indicates that this missense variant is not expected to disrupt PNPLA6 protein function with a negative predictive value of 80%. This variant disrupts the p.Arg1135 amino acid residue in PNPLA6. Other variant(s) that disrupt this residue have been determined to be pathogenic (PMID: 28559085, 32586184, 33141049, 35069422). This suggests that this residue is clinically significant, and that variants that disrupt this residue are likely to be disease-causing. For these reasons, this variant has been classified as Pathogenic.

3billion
Classification: Likely pathogenic for Hereditary spastic paraplegia 39. Last evaluated: 2022-09-01. Review status: criteria provided, single submitter. Criteria: ACMG Guidelines, 2015. Collection method: clinical testing. Allele origin: germline. Affected: yes. Observed: 1 heterozygote.
Comment: The variant is observed at an extremely low frequency in the gnomAD v2.1.1 dataset (total allele frequency: 0.003%). Missense changes are a common disease-causing mechanism. Same nucleotide change resulting in same amino acid change has been previously reported to be associated with PNPLA6-related disorder (ClinVar ID: VCV000372471 / PMID: 31135245). However, the evidence of pathogenicity is insufficient at this time. The variant has been reported to be in trans with a pathogenic variant as either compound heterozygous or homozygous in at least one similarly affected unrelated individual (PMID: 31135245). Therefore, this variant is classified as Likely pathogenic according to the recommendation of ACMG/AMP guideline.

Ocular Genomics Institute, Massachusetts Eye and Ear
Classification: Uncertain significance for Rod-cone dystrophy. Last evaluated: 2021-04-08. Review status: criteria provided, single submitter. Criteria: ACMG Guidelines, 2015. Collection method: research. Allele origin: germline. Affected: yes.
Comment: Through a review of available evidence we were able to apply the following criteria: PM2. Based on this evidence we have classified this variant as Variant of Uncertain Significance.

Blueprint Genetics
Classification: Likely pathogenic for PNPLA6-related disorders. Last evaluated: 2019-06-18. Review status: criteria provided, single submitter. Criteria: ACMG Guidelines, 2015. Collection method: clinical testing. Allele origin: germline. Affected: yes. Observed: 4 variant alleles.

GeneDx
Classification: Likely pathogenic. Last evaluated: 2016-03-14. Review status: criteria provided, single submitter. Criteria: GeneDx Variant Classification (06012015). Collection method: clinical testing. Allele origin: germline. Affected: yes.
Comment: The R1135Q variant in the PNPLA6 gene has not been reported previously as a pathogenic variant, nor as a benign variant, to our knowledge. The R1135Q variant was not observed in approximately 6500 individuals of European and African American ancestry in the NHLBI Exome Sequencing Project, indicating it is not a common benign variant in these populations. The R1135Q variant is a semi-conservative amino acid substitution, which may impact secondary protein structure as these residues differ in some properties. This substitution occurs at a position that is conserved across species. In silico analysis predicts this variant is probably damaging to the protein structure/function. The R1135Q variant is a strong candidate for a pathogenic variant, however the possibility it may be a rare benign variant cannot be excluded.

Literature cited by the submitters: PubMed 31135245 (cited by 3 submitters); PubMed 31712030 (cited by Labcorp Genetics (formerly Invitae), Labcorp); PubMed 28559085 (cited by Labcorp Genetics (formerly Invitae), Labcorp); PubMed 32586184 (cited by Labcorp Genetics (formerly Invitae), Labcorp); PubMed 33141049 (cited by Labcorp Genetics (formerly Invitae), Labcorp); PubMed 35069422 (cited by Labcorp Genetics (formerly Invitae), Labcorp).

NM_001166114.2(PNPLA6):c.3518G>A (p.Arg1173Gln)

Gene: PNPLA6 (patatin like domain 6, lysophospholipase; plus strand). Cytogenetic location: 19p13.2.
Variant type: single nucleotide variant.
Coding change: c.3518G>A on transcript NM_001166114.2 (MANE Select); coding-DNA position 3518, G replaced by A.
Protein change: p.Arg1173Gln; replaces arginine 1173 with glutamine.
Molecular consequence: missense variant.
Genome position (GRCh38, 1-based): chr19:7,558,970, G>A. VCF-style: chr19-7558970-G-A. GRCh37 (hg19) VCF-style: chr19-7623856-G-A.
Other names: c.3548G>A, p.Arg1183Gln (NM_001166111.2); c.3323G>A, p.Arg1108Gln (NM_001166112.2); c.3404G>A, p.Arg1135Gln (NM_001166113.1, NM_006702.5); short protein forms R1135Q, R1183Q, R1173Q, R1108Q.
Identifiers: ClinVar variation 372471 (VCV000372471.14), dbSNP rs1057517802, ClinGen allele CA16043120.
Genomic context (GRCh38, chr19:7,558,970, plus strand): 5'-ATGAGACGGACCTCAGCACCTACGGGGACAGCCTGTCCGGCTGGTGGCTGCTGTGGAAGC[G>A]GCTGAATCCCTGGGCTGACAAGGTAAAGGTTCCAGACATGGCTGAAATCCAGTCCCGCCT-3'
Protein context (NP_001159586.1, residues 1163-1183): SLSGWWLLWK[Arg1173Gln]LNPWADKVKV